The following is an entry in ClinVar:

NM_015164.4(PLEKHM2):c.2302C>G (p.Pro768Ala)

Gene: PLEKHM2 (pleckstrin homology and RUN domain containing M2; plus strand). Cytogenetic location: 1p36.21.
Variant type: single nucleotide variant.
Coding change: c.2302C>G on transcript NM_015164.4 (MANE Select); coding-DNA position 2302, C replaced by G.
Protein change: p.Pro768Ala; replaces proline 768 with alanine.
Molecular consequence: missense variant.
Genome position (GRCh38, 1-based): chr1:15,730,625, C>G. VCF-style: chr1-15730625-C-G. GRCh37 (hg19) VCF-style: chr1-16057120-C-G.
Other names: c.2242C>G, p.Pro748Ala (NM_001410755.1); short protein forms P748A, P768A.
Identifiers: ClinVar variation 4812668 (VCV004812668.1).

ClinVar aggregate classification (germline): Uncertain significance (1 of 4 stars; one submission).

gnomAD v4.1: 1 of 1,608,374 alleles (0.000062%); highest among the groups gnomAD compares: Non-Finnish European, 0.000085%; no homozygotes.

Submission:

Labcorp Genetics (formerly Invitae), Labcorp
Classification: Uncertain significance. Last evaluated: 2025-09-15. Review status: criteria provided, single submitter. Criteria: Invitae Variant Classification Sherloc (09022015). Collection method: clinical testing. Allele origin: germline.
Comment: This sequence change replaces proline, which is neutral and non-polar, with alanine, which is neutral and non-polar, at codon 768 of the PLEKHM2 protein (p.Pro768Ala). This variant is not present in population databases (gnomAD no frequency). This variant has not been reported in the literature in individuals affected with PLEKHM2-related conditions. An algorithm developed to predict the effect of missense changes on protein structure and function outputs the following: PolyPhen-2: "Benign". The alanine amino acid residue is found in multiple mammalian species, which suggests that this missense change does not adversely affect protein function. In summary, the available evidence is currently insufficient to determine the role of this variant in disease. Therefore, it has been classified as a Variant of Uncertain Significance.